The following is an entry in ClinVar:

NM_022367.4(SEMA4A):c.365C>A (p.Thr122Lys)

Gene: SEMA4A (semaphorin 4A; plus strand). Cytogenetic location: 1q22.
Variant type: single nucleotide variant.
Coding change: c.365C>A on transcript NM_022367.4 (MANE Select); coding-DNA position 365, C replaced by A.
Protein change: p.Thr122Lys; replaces threonine 122 with lysine.
Molecular consequence: missense variant. On other transcripts: 5 prime UTR variant (2), intron variant (1).
Genome position (GRCh38, 1-based): chr1:156,158,389, C>A. VCF-style: chr1-156158389-C-A. GRCh37 (hg19) VCF-style: chr1-156128180-C-A.
Other names: c.365C>A, p.Thr122Lys (NM_001193300.2, NM_001193301.2, NM_001370567.1); c.68C>A, p.Thr23Lys (NM_001370568.1); c.-160C>A (NM_001370569.1, NM_001370571.1); c.66+257C>A (NM_001193302.2); short protein forms T122K, T23K.
Identifiers: ClinVar variation 1493639 (VCV001493639.6), dbSNP rs1433713483, ClinGen allele CA342835703.

ClinVar aggregate classification (germline): Uncertain significance (1 of 4 stars; one submission).

Allele frequency attached by ClinVar (database versions not stated): gnomAD exomes below 0.00001; gnomAD 0.00001; TOPMed 0.00001.
gnomAD v4.1: 3 of 1,612,300 alleles (0.00019%); highest among the groups gnomAD compares: Non-Finnish European, 0.00025%; no homozygotes.

Submission:

Labcorp Genetics (formerly Invitae), Labcorp
Classification: Uncertain significance. Last evaluated: 2022-01-03. Review status: criteria provided, single submitter. Criteria: Invitae Variant Classification Sherloc (09022015). Collection method: clinical testing. Allele origin: germline.
Comment: This variant is not present in population databases (gnomAD no frequency). This sequence change replaces threonine, which is neutral and polar, with lysine, which is basic and polar, at codon 122 of the SEMA4A protein (p.Thr122Lys). In summary, the available evidence is currently insufficient to determine the role of this variant in disease. Therefore, it has been classified as a Variant of Uncertain Significance. Algorithms developed to predict the effect of missense changes on protein structure and function are either unavailable or do not agree on the potential impact of this missense change (SIFT: "Tolerated"; PolyPhen-2: "Possibly Damaging"; Align-GVGD: "Class C0"). This variant has not been reported in the literature in individuals affected with SEMA4A-related conditions.